The following is an entry in ClinVar:

NM_000038.6(APC):c.5736T>G (p.Ala1912=)

Gene: APC (APC regulator of Wnt signaling pathway; plus strand). Cytogenetic location: 5q22.2.
Variant type: single nucleotide variant.
Coding change: c.5736T>G on transcript NM_000038.6 (MANE Select); coding-DNA position 5736, T replaced by G.
Protein change: p.Ala1912=; no amino-acid change (alanine 1912 retained).
Molecular consequence: synonymous variant.
Genome position (GRCh38, 1-based): chr5:112,841,330, T>G. VCF-style: chr5-112841330-T-G. GRCh37 (hg19) VCF-style: chr5-112177027-T-G.
Other names: c.5736T>G, p.Ala1912= (NM_001127510.3, NM_001354895.2); c.5682T>G, p.Ala1894= (NM_001127511.3); c.5790T>G, p.Ala1930= (NM_001354896.2); c.5766T>G, p.Ala1922= (NM_001354897.2); c.5661T>G, p.Ala1887= (NM_001354898.2); c.5652T>G, p.Ala1884= (NM_001354899.2); c.5613T>G, p.Ala1871= (NM_001354900.2); c.5559T>G, p.Ala1853= (NM_001354901.2); and 5 more.
Identifiers: ClinVar variation 387625 (VCV000387625.9), dbSNP rs1036907955, ClinGen allele CA16605177.
Genomic context (GRCh38, chr5:112,841,330, plus strand): 5'-TAAAGTTACCAGCCACACAGAACTAACCTCCAACCAACAATCAGCTAATAAGACACAAGC[T>G]ATTGCAAAGCAGCCAATAAATCGAGGTCAGCCTAAACCCATACTTCAGAAACAATCCACT-3'
Protein context (NP_000029.2, residues 1902-1922): SNQQSANKTQ[Ala1912=]IAKQPINRGQ

ClinVar aggregate classification (germline): Benign/Likely benign. Review status: criteria provided, multiple submitters, no conflicts (2 of 4 stars). 4 submissions from 4 submitters: Benign (1); Likely benign (3). Last evaluated 2024-04-02.

Conditions:
Hereditary cancer-predisposing syndrome. Also called: Hereditary Cancer Syndrome; Hereditary neoplastic syndrome; Neoplastic Syndromes, Hereditary; Tumor predisposition. Identifiers: Orphanet 140162, MedGen C0027672, MeSH D009386, MONDO:0015356.
Familial adenomatous polyposis 1 (FAP1). Also called: FAMILIAL ADENOMATOUS POLYPOSIS 1, ATTENUATED; POLYPOSIS, ADENOMATOUS INTESTINAL. Identifiers: MedGen C2713442, MONDO:0021056, OMIM 175100. Disease mechanism: loss of function.

Allele frequency attached by ClinVar (database versions not stated): TOPMed 0.00001.

Submissions (4):

Myriad Genetics, Inc.
Classification: Benign for Familial adenomatous polyposis 1. Last evaluated: 2024-04-02. Review status: criteria provided, single submitter. Criteria: Myriad Autosomal Dominant, Autosomal Recessive and X-Linked Classification Criteria (2023). Collection method: clinical testing. Allele origin: unknown.
Comment: This variant is considered benign. This variant is a silent/synonymous amino acid change and it is not expected to impact splicing.

Labcorp Genetics (formerly Invitae), Labcorp
Classification: Likely benign for Familial adenomatous polyposis 1. Last evaluated: 2023-10-05. Review status: criteria provided, single submitter. Criteria: Invitae Variant Classification Sherloc (09022015). Collection method: clinical testing. Allele origin: germline.

Ambry Genetics
Classification: Likely benign for Hereditary cancer-predisposing syndrome. Last evaluated: 2020-08-24. Review status: criteria provided, single submitter. Criteria: Ambry Variant Classification Scheme 2023. Collection method: clinical testing. Allele origin: germline.

GeneDx
Classification: Likely benign. Last evaluated: 2016-07-06. Review status: criteria provided, single submitter. Criteria: GeneDx Variant Classification (06012015). Collection method: clinical testing. Allele origin: germline. Affected: yes.
Comment: This variant is considered likely benign or benign based on one or more of the following criteria: it is a conservative change, it occurs at a poorly conserved position in the protein, it is predicted to be benign by multiple in silico algorithms, and/or has population frequency not consistent with disease.